The following is an entry in ClinVar:

ClinVar aggregate classification (germline): Likely benign. Review status: criteria provided, multiple submitters, no conflicts (2 of 4 stars). 3 submissions from 3 submitters: Likely benign (2). 1 of the submissions does not count toward it. Last evaluated 2018-04-24.

Conditions:
ALDH2-related disorder. Also called: ALDH2-related condition.

Allele frequency attached by ClinVar (database versions not stated): gnomAD exomes 0.00035; TOPMed 0.00148; 1000 Genomes Project 0.00160; 1000 Genomes Project 30x 0.00172; gnomAD 0.00173; ESP Exome Variant Server 0.00177.
gnomAD v4.1: 795 of 1,613,428 alleles (0.049%); highest among the groups gnomAD compares: African/African-American, 0.5%; 5 homozygotes.

Submissions (3):

Labcorp Genetics (formerly Invitae), Labcorp
Classification: Likely benign. Last evaluated: 2018-04-24. Review status: criteria provided, single submitter. Criteria: Invitae Variant Classification Sherloc (09022015). Collection method: clinical testing. Allele origin: germline.

Breakthrough Genomics
Classification: Likely benign. Review status: criteria provided, single submitter. Criteria: ACMG Guidelines, 2015. Collection method: not provided. Allele origin: germline. Inheritance: Autosomal dominant inheritance. Affected: yes.

PreventionGenetics, part of Exact Sciences
Classification: Benign for ALDH2-related condition. Last evaluated: 2019-08-28. Review status: no assertion criteria provided. Collection method: clinical testing. Allele origin: germline. Not counted in ClinVar's aggregate classification.
Comment: This variant is classified as benign based on ACMG/AMP sequence variant interpretation guidelines (Richards et al. 2015 PMID: 25741868, with internal and published modifications).

NM_000690.4(ALDH2):c.121A>G (p.Ile41Val)

Gene: ALDH2 (aldehyde dehydrogenase 2 family member; plus strand). Cytogenetic location: 12q24.12.
Variant type: single nucleotide variant.
Coding change: c.121A>G on transcript NM_000690.4 (MANE Select); coding-DNA position 121, A replaced by G.
Protein change: p.Ile41Val; replaces isoleucine 41 with valine.
Molecular consequence: missense variant.
Genome position (GRCh38, 1-based): chr12:111,781,924, A>G. VCF-style: chr12-111781924-A-G. GRCh37 (hg19) VCF-style: chr12-112219728-A-G.
Other names: c.121A>G, p.Ile41Val (NM_001204889.2); short protein forms I41V.
Identifiers: ClinVar variation 722590 (VCV000722590.6), dbSNP rs141574314, ClinGen allele CA6792785.